The following is an entry in ClinVar:

ClinVar aggregate classification (germline): Uncertain significance (1 of 4 stars; one submission).

Allele frequency attached by ClinVar (database versions not stated): gnomAD exomes below 0.00001; TOPMed below 0.00001; ExAC 0.00001; gnomAD 0.00001.
gnomAD v4.1: 4 of 1,613,800 alleles (0.00025%); highest among the groups gnomAD compares: African/African-American, 0.0027%; no homozygotes.

Submission:

Mayo Clinic Laboratories, Mayo Clinic
Classification: Uncertain significance. Last evaluated: 2022-11-21. Review status: criteria provided, single submitter. Criteria: ACMG Guidelines, 2015. Collection method: clinical testing. Allele origin: germline. Observed: 1 variant allele.
Comment: BP4, PM2

NM_001367805.3(KIF23):c.1978G>A (p.Val660Ile)

Gene: KIF23 (kinesin family member 23; plus strand). Cytogenetic location: 15q23.
Variant type: single nucleotide variant.
Coding change: c.1978G>A on transcript NM_001367805.3 (MANE Select); coding-DNA position 1978, G replaced by A.
Protein change: p.Val660Ile; replaces valine 660 with isoleucine.
Molecular consequence: missense variant. On other transcripts: non-coding transcript variant (2).
Genome position (GRCh38, 1-based): chr15:69,440,356, G>A. VCF-style: chr15-69440356-G-A. GRCh37 (hg19) VCF-style: chr15-69732695-G-A.
Other names: p.Val646Ile; c.1606G>A, p.Val536Ile (NM_001281301.2); c.1936G>A, p.Val646Ile (NM_001367804.2, NM_004856.7, NM_138555.4); short protein forms V536I, V646I, V660I.
Identifiers: ClinVar variation 2683320 (VCV002683320.1), dbSNP rs768733979, ClinGen allele CA7635299.